The following is an entry in ClinVar:

ClinVar aggregate classification (germline): Uncertain significance (1 of 4 stars; one submission).

Conditions:
Leukoencephalopathy, progressive, with ovarian failure (LKENP). Identifiers: Orphanet 99853, MedGen C4014588, MONDO:0014387, OMIM 615889.

Submission:

Neuberg Centre For Genomic Medicine, NCGM
Classification: Uncertain significance for Leukoencephalopathy, progressive, with ovarian failure. Review status: criteria provided, single submitter. Criteria: ACMG Guidelines, 2015. Collection method: clinical testing. Allele origin: germline. Inheritance: Autosomal recessive inheritance. Affected: yes.
Comment: The missense variant c.995G>A (p.Ser332Asn) in AARS2 gene has not been reported previously as a pathogenic variant nor as a benign variant, to our knowledge. The p.Ser332Asn variant is novel (not in any individuals) in gnomAD Exomes and 1000 Genomes. The amino acid Ser at position 332 is changed to a Asn changing protein sequence and it might alter its composition and physico-chemical properties. The variant is predicted to be damaging by SIFT and the residue is conserved across species. The amino acid change p.Ser332Asn in AARS2 is predicted as conserved by GERP++ and PhyloP across 100 vertebrates. For these reasons, this variant has been classified as Uncertain Significance.

NM_020745.4(AARS2):c.995G>A (p.Ser332Asn)

Gene: AARS2 (alanyl-tRNA synthetase 2, mitochondrial; minus strand). Cytogenetic location: 6p21.1.
Variant type: single nucleotide variant.
Coding change: c.995G>A on transcript NM_020745.4 (MANE Select); coding-DNA position 995, G replaced by A.
Protein change: p.Ser332Asn; replaces serine 332 with asparagine.
Molecular consequence: missense variant.
Genome position (GRCh38, 1-based): chr6:44,307,294, C>T on the plus strand (G>A on the coding strand, the complement: AARS2 is on the minus strand). VCF-style: chr6-44307294-C-T. GRCh37 (hg19) VCF-style: chr6-44275031-C-T.
Other names: short protein forms S332N.
Identifiers: ClinVar variation 2585008 (VCV002585008.1), dbSNP rs2534691139, ClinGen allele CA364340214.
Genomic context (GRCh38, chr6:44,307,294, plus strand): 5'-CCCTTCCAGACTCACGGGGGACCTGACATCCCAGGGAAGATGCCATCAGAGATGCAGACA[C>T]TGAGTGTGCGGATGTGGTCAGCCACCACGCGGTACGCTGTGTCTGTGCGCCCCTCGTCTG-3'
Protein context (NP_065796.2, residues 322-342): RVVADHIRTL[Ser332Asn]VCISDGIFPG